The following is an entry in ClinVar:

ClinVar aggregate classification (germline): Uncertain significance (1 of 4 stars; one submission).

Conditions:
X-linked immunodeficiency with magnesium defect, Epstein-Barr virus infection and neoplasia. Identifiers: Orphanet 317476, MedGen C3275445, MONDO:0010455, OMIM 300853.

Submission:

Labcorp Genetics (formerly Invitae), Labcorp
Classification: Uncertain significance for X-linked immunodeficiency with magnesium defect, Epstein-Barr virus infection and neoplasia. Last evaluated: 2021-07-28. Review status: criteria provided, single submitter. Criteria: Invitae Variant Classification Sherloc (09022015). Collection method: clinical testing. Allele origin: germline.
Comment: In summary, the available evidence is currently insufficient to determine the role of this variant in disease. Therefore, it has been classified as a Variant of Uncertain Significance. Experimental studies and prediction algorithms are not available or were not evaluated, and the functional significance of this variant is currently unknown. This variant has not been reported in the literature in individuals affected with MAGT1-related conditions. This variant results in a copy number gain of the genomic region encompassing exon(s) 1-4 of the MAGT1 gene. This region includes the initiator codon of the gene. The 5' end of this event is unknown as it extends beyond the assayed region for this gene and therefore may encompass additional genes. The 3' boundary is likely confined to intron 4 of the MAGT1 gene. As the precise location of this event is unknown, it may be in tandem or it may be located elsewhere in the genome.

NC_000023.10:g.(?_77112834)_(77381327_?)dup

Genes: COX7B (cytochrome c oxidase subunit 7B; plus strand), ATP7A (ATPase copper transporting alpha; plus strand), MAGT1 (magnesium transporter 1; minus strand), PGAM4 (phosphoglycerate mutase family member 4; minus strand), PGK1 (phosphoglycerate kinase 1; plus strand). Cytogenetic location: Xq21.1.
Variant type: Duplication.
Identifiers: ClinVar variation 1514256 (VCV001514256.4).